The following is an entry in ClinVar:

NM_007294.4(BRCA1):c.5213_5278-2753delinsT

Gene: BRCA1 (BRCA1 DNA repair associated; minus strand). Cytogenetic location: 17q21.31.
Variant type: Indel.
Coding change: c.5213_5278-2753delinsT on transcript NM_007294.4 (MANE Select); coding-DNA position 5213 through 2753 bases into the intron before coding-DNA position 5278, the reference bases replaced by T.
Molecular consequence: splice donor variant.
Genome position (GRCh38, 1-based): chr17:43,053,870-43,057,116, 3,247 bases replaced. GRCh37 (hg19): chr17:41,205,887-41,209,133.
Other names: c.5072_5137-2753delinsT (NM_001407727.1, NM_001407724.1, NM_001407697.1 and 13 more transcripts); c.5000_5065-2753delinsT (NM_001407896.1, NM_001407900.1, NM_001407571.1 and 12 more transcripts); c.4877_4942-2753delinsT (NM_001407952.1, NM_001407950.1, NM_001407953.1 and 3 more transcripts); c.5066_5131-2753delinsT (NM_001407841.1, NM_001407838.1, NM_001407848.1 and 12 more transcripts); c.5006_5071-2753delinsT (NM_001407874.1, NM_001407875.1); c.1823_1888-2753delinsT (NM_001408416.1, NM_001408414.1, NM_001408415.1 and 2 more transcripts); c.4880_4945-2753delinsT (NM_001407948.1, NM_001407947.1, NM_001407949.1 and 1 more transcripts); c.1691_1756-2753delinsT (NM_001408484.1, NM_001408485.1, NM_001408483.1 and 5 more transcripts); and 74 more.
Identifiers: ClinVar variation 1713200 (VCV001713200.19), ClinGen allele CA2580094093.

ClinVar aggregate classification (germline): Pathogenic. Review status: criteria provided, single submitter (1 of 4 stars). 2 submissions from 2 submitters: Pathogenic (1). 1 of the submissions does not count toward it. Last evaluated 2021-03-01.

Conditions:
Hereditary cancer-predisposing syndrome. Also called: Neoplastic Syndromes, Hereditary; Tumor predisposition; Hereditary neoplastic syndrome; Hereditary Cancer Syndrome. Identifiers: Orphanet 140162, MedGen C0027672, MeSH D009386, MONDO:0015356.
Breast-ovarian cancer, familial, susceptibility to, 1 (BROVCA1). Also called: OVARIAN CANCER, SUSCEPTIBILITY TO; BRCA1 Hereditary Breast and Ovarian Cancer. Identifiers: Orphanet 145, MedGen C2676676, MONDO:0011450, OMIM 604370. Disease mechanism: loss of function.

Submissions (2):

Ambry Genetics
Classification: Pathogenic for Hereditary cancer-predisposing syndrome. Last evaluated: 2021-03-01. Review status: criteria provided, single submitter. Criteria: Ambry Variant Classification Scheme 2023. Collection method: clinical testing. Allele origin: germline.
Comment: The c.5213_5278-2753delinsT pathogenic mutation, located in coding exon 18 and intron 18 of the BRCA1 gene, results from a deletion of 3247 nucleotides and insertion of 1 nucleotides (T) at positions 5213 to 5278-2753. This alteration is expected to result in loss of function due to an abnormal transcript, a translational frameshift leading to premature truncation, or nonsense-mediated mRNA decay. As such, this alteration is interpreted as a disease-causing mutation.

BRCAlab, Lund University
Classification: Pathogenic for Breast-ovarian cancer, familial, susceptibility to, 1. Last evaluated: 2022-08-26. Review status: no assertion criteria provided. Collection method: clinical testing. Allele origin: germline. Affected: yes. Not counted in ClinVar's aggregate classification.